The following is an entry in ClinVar:

NM_015047.3(EMC1):c.40A>G (p.Thr14Ala)

Gene: EMC1 (ER membrane protein complex subunit 1; minus strand). Cytogenetic location: 1p36.13.
Variant type: single nucleotide variant.
Coding change: c.40A>G on transcript NM_015047.3 (MANE Select); coding-DNA position 40, A replaced by G.
Protein change: p.Thr14Ala; replaces threonine 14 with alanine.
Molecular consequence: missense variant.
Genome position (GRCh38, 1-based): chr1:19,251,470, T>C on the plus strand (A>G on the coding strand, the complement: EMC1 is on the minus strand). VCF-style: chr1-19251470-T-C. GRCh37 (hg19) VCF-style: chr1-19577964-T-C.
Other names: c.40A>G, p.Thr14Ala (NM_001271427.2, NM_001271428.2, NM_001271429.2 and 2 more transcripts); short protein forms T14A.
Identifiers: ClinVar variation 1720838 (VCV001720838.5), dbSNP rs749385394, ClinGen allele CA653073.

ClinVar aggregate classification (germline): Uncertain significance (1 of 4 stars; one submission).

Allele frequency attached by ClinVar (database versions not stated): gnomAD exomes below 0.00001; ExAC 0.00001.
gnomAD v4.1: 1 of 1,614,174 alleles (0.000062%); highest among the groups gnomAD compares: African/African-American, 0.0013%; no homozygotes.

Submission:

Labcorp Genetics (formerly Invitae), Labcorp
Classification: Uncertain significance. Last evaluated: 2023-08-05. Review status: criteria provided, single submitter. Criteria: Invitae Variant Classification Sherloc (09022015). Collection method: clinical testing. Allele origin: germline.
Comment: In summary, the available evidence is currently insufficient to determine the role of this variant in disease. Therefore, it has been classified as a Variant of Uncertain Significance. Advanced modeling of protein sequence and biophysical properties (such as structural, functional, and spatial information, amino acid conservation, physicochemical variation, residue mobility, and thermodynamic stability) performed at Invitae indicates that this missense variant is not expected to disrupt EMC1 protein function. This sequence change replaces threonine, which is neutral and polar, with alanine, which is neutral and non-polar, at codon 14 of the EMC1 protein (p.Thr14Ala). This variant is present in population databases (rs749385394, gnomAD 0.007%). This variant has not been reported in the literature in individuals affected with EMC1-related conditions. ClinVar contains an entry for this variant (Variation ID: 1720838).